The following is an entry in ClinVar:

NM_022662.4(ANAPC1):c.1225A>G (p.Ile409Val)

Gene: ANAPC1 (anaphase promoting complex subunit 1; minus strand). Cytogenetic location: 2q13.
Variant type: single nucleotide variant.
Coding change: c.1225A>G on transcript NM_022662.4 (MANE Select); coding-DNA position 1225, A replaced by G.
Protein change: p.Ile409Val; replaces isoleucine 409 with valine.
Molecular consequence: missense variant.
Genome position (GRCh38, 1-based): chr2:111,862,426, T>C on the plus strand (A>G on the coding strand, the complement: ANAPC1 is on the minus strand). VCF-style: chr2-111862426-T-C. GRCh37 (hg19) VCF-style: chr2-112620003-T-C.
Other names: short protein forms I409V.
Identifiers: ClinVar variation 2651268 (VCV002651268.25), dbSNP rs142430919, ClinGen allele CA1830596.

ClinVar aggregate classification (germline): Conflicting classifications of pathogenicity. Review status: criteria provided, conflicting classifications (1 of 4 stars). 2 submissions from 2 submitters: Uncertain significance (1); Likely benign (1). Last evaluated 2026-05-12.

Allele frequency attached by ClinVar (database versions not stated): gnomAD exomes 0.00012; ESP Exome Variant Server 0.00015; gnomAD 0.00019; TOPMed 0.00022; ExAC 0.00035.

Submissions (2):

Women's Health and Genetics/Laboratory Corporation of America, LabCorp
Classification: Uncertain significance. Last evaluated: 2026-05-12. Review status: criteria provided, single submitter. Criteria: LabCorp Variant Classification Summary - May 2015. Collection method: clinical testing. Allele origin: germline.

CeGaT Center for Human Genetics Tuebingen
Classification: Likely benign. Last evaluated: 2022-04-01. Review status: criteria provided, single submitter. Criteria: CeGaT Center For Human Genetics Tuebingen Variant Classification Criteria Version 2. Collection method: clinical testing. Allele origin: germline. Affected: yes. Observed: 1 variant allele.
Comment: ANAPC1: BP4